The following is an entry in ClinVar:

NM_001844.5(COL2A1):c.25_26delinsTA (p.Thr9Ter)

Gene: COL2A1 (collagen type II alpha 1 chain; minus strand). Cytogenetic location: 12q13.11.
Variant type: Indel.
Coding change: c.25_26delinsTA on transcript NM_001844.5 (MANE Select); coding-DNA positions 25 to 26, AC replaced by TA.
Protein change: p.Thr9Ter; replaces threonine 9 with a stop codon.
Molecular consequence: nonsense.
Genome position (GRCh38, 1-based): chr12:48,004,296-48,004,297, GT replaced by TA on the plus strand (AC replaced by TA on the coding strand, the reverse complement: COL2A1 is on the minus strand). VCF-style: chr12-48004296-GT-TA. GRCh37 (hg19) VCF-style: chr12-48398079-GT-TA.
Other names: c.25_26delinsTA, p.Thr9Ter (NM_033150.3); short protein forms T9*.
Identifiers: ClinVar variation 429715 (VCV000429715.1), dbSNP rs1131691546, ClinGen allele CA645369519.

ClinVar aggregate classification (germline): Pathogenic (1 of 4 stars; one submission).

Submission:

GeneDx
Classification: Pathogenic. Last evaluated: 2017-05-11. Review status: criteria provided, single submitter. Criteria: GeneDx Variant Classification (06012015). Collection method: clinical testing. Allele origin: germline. Affected: yes.
Comment: The T9X variant in the COL2A1 gene has been reported previously in the heterozygous state, in three related individuals with Stickler syndrome type 1 (STK1) (Richards et al., 2006). This variant is predicted to cause loss of normal protein function either through protein truncation or nonsense-mediated mRNA decay. The T9X variant is not observed in large population cohorts (Lek et al., 2016; 1000 Genomes Consortium et al., 2015; Exome Variant Server). We interpret T9X as a pathogenic variant.